The following is an entry in ClinVar:

NC_000005.10:g.112707484C>G

Genes: APC (APC regulator of Wnt signaling pathway; plus strand), LOC129994371 (ATAC-STARR-seq lymphoblastoid active region 22910; plus strand). Cytogenetic location: 5q22.2.
Variant type: single nucleotide variant.
Genome position: GRCh38 VCF-style: chr5-112707484-C-G. GRCh37 (hg19) VCF-style: chr5-112043181-C-G.
Identifiers: ClinVar variation 537681 (VCV000537681.10), dbSNP rs145818737, ClinGen allele CA658796602.

ClinVar aggregate classification (germline): Uncertain significance (1 of 4 stars; one submission).

Conditions:
Familial adenomatous polyposis 1 (FAP1). Also called: FAMILIAL ADENOMATOUS POLYPOSIS 1, ATTENUATED; POLYPOSIS, ADENOMATOUS INTESTINAL. Identifiers: MedGen C2713442, MONDO:0021056, OMIM 175100. Disease mechanism: loss of function.

Submission:

Labcorp Genetics (formerly Invitae), Labcorp
Classification: Uncertain significance for Familial adenomatous polyposis 1. Last evaluated: 2024-09-11. Review status: criteria provided, single submitter. Criteria: Invitae Variant Classification Sherloc (09022015). Collection method: clinical testing. Allele origin: germline.
Comment: This variant occurs in a non-coding region of the APC gene. It does not change the encoded amino acid sequence of the APC protein. This variant is not present in population databases (gnomAD no frequency). This variant has not been reported in the literature in individuals affected with APC-related conditions. ClinVar contains an entry for this variant (Variation ID: 537681). Experimental studies and prediction algorithms are not available or were not evaluated, and the functional significance of this variant is currently unknown. In summary, the available evidence is currently insufficient to determine the role of this variant in disease. Therefore, it has been classified as a Variant of Uncertain Significance.